The following is an entry in ClinVar:

ClinVar aggregate classification (germline): Uncertain significance. Review status: criteria provided, multiple submitters, no conflicts (2 of 4 stars). 2 submissions from 2 submitters: Uncertain significance (2). Last evaluated 2024-10-01.

Conditions:
Inborn genetic diseases. Identifiers: MedGen C0950123, MeSH D030342.

Allele frequency attached by ClinVar (database versions not stated): TOPMed below 0.00001; gnomAD 0.00001; gnomAD exomes 0.00001; ExAC 0.00002.
gnomAD v4.1: 19 of 1,613,908 alleles (0.0012%); highest among the groups gnomAD compares: Admixed American, 0.0067%; no homozygotes.

Submissions (2):

Ambry Genetics
Classification: Uncertain significance for Inborn genetic diseases. Last evaluated: 2024-10-01. Review status: criteria provided, single submitter. Criteria: Ambry Variant Classification Scheme 2023. Collection method: clinical testing. Allele origin: germline.

Labcorp Genetics (formerly Invitae), Labcorp
Classification: Uncertain significance. Last evaluated: 2022-07-11. Review status: criteria provided, single submitter. Criteria: Invitae Variant Classification Sherloc (09022015). Collection method: clinical testing. Allele origin: germline.
Comment: This sequence change replaces alanine, which is neutral and non-polar, with valine, which is neutral and non-polar, at codon 3883 of the DNAH9 protein (p.Ala3883Val). This variant is present in population databases (rs753561602, gnomAD 0.009%). This variant has not been reported in the literature in individuals affected with DNAH9-related conditions. Algorithms developed to predict the effect of missense changes on protein structure and function (SIFT, PolyPhen-2, Align-GVGD) all suggest that this variant is likely to be tolerated. In summary, the available evidence is currently insufficient to determine the role of this variant in disease. Therefore, it has been classified as a Variant of Uncertain Significance.

NM_001372.4(DNAH9):c.11648C>T (p.Ala3883Val)

Gene: DNAH9 (dynein axonemal heavy chain 9; plus strand). Cytogenetic location: 17p12.
Variant type: single nucleotide variant.
Coding change: c.11648C>T on transcript NM_001372.4 (MANE Select); coding-DNA position 11648, C replaced by T.
Protein change: p.Ala3883Val; replaces alanine 3883 with valine.
Molecular consequence: missense variant.
Genome position (GRCh38, 1-based): chr17:11,905,708, C>T. VCF-style: chr17-11905708-C-T. GRCh37 (hg19) VCF-style: chr17-11809025-C-T.
Other names: c.584C>T, p.Ala195Val (NM_004662.2); c.11648C>T (NM_001372.3); short protein forms A195V, A3883V.
Identifiers: ClinVar variation 1905448 (VCV001905448.3), dbSNP rs753561602, ClinGen allele CA8397906.
Genomic context (GRCh38, chr17:11,905,708, plus strand): 5'-TTTTTTCTGGCAGAGATTTTGTTGAAGAGAAGTTAGGAAGCAAATACGTGGTGGGAAGAG[C>T]CCTAGATTTTGCAACCTCATTTGAAGAATCGGGACCAGCCACTCCTATGTTTTTCATCCT-3'
Protein context (NP_001363.2, residues 3873-3893): KLGSKYVVGR[Ala3883Val]LDFATSFEES